The following is an entry in ClinVar:

NM_000574.5(CD55):c.647C>T (p.Pro216Leu)

Gene: CD55 (CD55 molecule (Cromer blood group); plus strand). Cytogenetic location: 1q32.2.
Variant type: single nucleotide variant.
Coding change: c.647C>T on transcript NM_000574.5 (MANE Select); coding-DNA position 647, C replaced by T.
Protein change: p.Pro216Leu; replaces proline 216 with leucine.
Molecular consequence: missense variant. On other transcripts: non-coding transcript variant (1).
Genome position (GRCh38, 1-based): chr1:207,326,820, C>T. VCF-style: chr1-207326820-C-T. GRCh37 (hg19) VCF-style: chr1-207500165-C-T.
Other names: c.647C>T, p.Pro216Leu (NM_001114752.3, NM_001300902.2, NM_001300903.2 and 1 more transcripts); short protein forms P216L.
Identifiers: ClinVar variation 1403204 (VCV001403204.3), dbSNP rs144692928, ClinGen allele CA1368053.

ClinVar aggregate classification (germline): Uncertain significance (1 of 4 stars; one submission).

Allele frequency attached by ClinVar (database versions not stated): gnomAD 0.00001 and 0.00010; TOPMed 0.00003; gnomAD exomes 0.00008 and 0.00018; ESP Exome Variant Server 0.00015; ExAC 0.00021; 1000 Genomes Project 0.00060; 1000 Genomes Project 30x 0.00094.
gnomAD v4.1: 141 of 1,613,280 alleles (0.0087%); highest among the groups gnomAD compares: South Asian, 0.12%; 1 homozygote.

Submission:

Labcorp Genetics (formerly Invitae), Labcorp
Classification: Uncertain significance. Last evaluated: 2022-10-04. Review status: criteria provided, single submitter. Criteria: Invitae Variant Classification Sherloc (09022015). Collection method: clinical testing. Allele origin: germline.
Comment: This sequence change replaces proline, which is neutral and non-polar, with leucine, which is neutral and non-polar, at codon 216 of the CD55 protein (p.Pro216Leu). This variant is present in population databases (rs144692928, gnomAD 0.1%). This variant has not been reported in the literature in individuals affected with CD55-related conditions. ClinVar contains an entry for this variant (Variation ID: 1403204). Advanced modeling of protein sequence and biophysical properties (such as structural, functional, and spatial information, amino acid conservation, physicochemical variation, residue mobility, and thermodynamic stability) performed at Invitae indicates that this missense variant is not expected to disrupt CD55 protein function. In summary, the available evidence is currently insufficient to determine the role of this variant in disease. Therefore, it has been classified as a Variant of Uncertain Significance.